The following is an entry in ClinVar:

ClinVar aggregate classification (germline): Pathogenic (1 of 4 stars; one submission).

Submission:

GeneDx
Classification: Pathogenic. Last evaluated: 2025-04-29. Review status: criteria provided, single submitter. Criteria: GeneDx Variant Classification Process June 2021. Collection method: clinical testing. Allele origin: germline. Affected: yes.
Comment: Not observed at significant frequency in large population cohorts (gnomAD); In silico analysis supports that this missense variant has a deleterious effect on protein structure/function; Has not been previously published as pathogenic or benign to our knowledge

NM_001190274.2(FBXO11):c.2665G>A (p.Asp889Asn)

Genes: FBXO11 (F-box protein 11; minus strand), MSH6 (mutS homolog 6; plus strand). Cytogenetic location: 2p16.3.
Variant type: single nucleotide variant.
Coding change: c.2665G>A on transcript NM_001190274.2 (MANE Select); coding-DNA position 2665, G replaced by A.
Protein change: p.Asp889Asn; replaces aspartic acid 889 with asparagine.
Molecular consequence: missense variant. On other transcripts: intron variant (6).
Genome position (GRCh38, 1-based): chr2:47,808,237, C>T on the plus strand (G>A on the coding strand, the complement: FBXO11 is on the minus strand). VCF-style: chr2-47808237-C-T. GRCh37 (hg19) VCF-style: chr2-48035376-C-T.
Other names: c.2413G>A, p.Asp805Asn (NM_001374325.1, NM_025133.4); c.*43+1334C>T (NM_001406809.1); c.*40+1337C>T (NM_001406796.1, NM_001406811.1, NM_001406805.1 and 2 more transcripts); short protein forms D805N, D889N.
Identifiers: ClinVar variation 4528290 (VCV004528290.1).